The following is an entry in ClinVar:

ClinVar aggregate classification (germline): Uncertain significance (1 of 4 stars; one submission).

Conditions:
Vici syndrome (VICIS). Identifiers: Orphanet 1493, MedGen C1855772, MONDO:0009452, OMIM 242840.

Allele frequency attached by ClinVar (database versions not stated): ExAC 0.00001; gnomAD 0.00001; gnomAD exomes 0.00001 and 0.00002; TOPMed 0.00002.
gnomAD v4.1: 10 of 1,611,252 alleles (0.00062%); highest among the groups gnomAD compares: Admixed American, 0.017%; no homozygotes.

Submission:

Labcorp Genetics (formerly Invitae), Labcorp
Classification: Uncertain significance for Vici syndrome. Last evaluated: 2022-08-22. Review status: criteria provided, single submitter. Criteria: Invitae Variant Classification Sherloc (09022015). Collection method: clinical testing. Allele origin: germline.
Comment: This sequence change replaces threonine, which is neutral and polar, with isoleucine, which is neutral and non-polar, at codon 565 of the EPG5 protein (p.Thr565Ile). This variant is present in population databases (rs750054758, gnomAD 0.02%). This variant has not been reported in the literature in individuals affected with EPG5-related conditions. ClinVar contains an entry for this variant (Variation ID: 1395615). Algorithms developed to predict the effect of missense changes on protein structure and function are either unavailable or do not agree on the potential impact of this missense change (SIFT: "Tolerated"; PolyPhen-2: "Probably Damaging"; Align-GVGD: "Class C0"). In summary, the available evidence is currently insufficient to determine the role of this variant in disease. Therefore, it has been classified as a Variant of Uncertain Significance.

NM_020964.3(EPG5):c.1694C>T (p.Thr565Ile)

Gene: EPG5 (ectopic P-granules 5 autophagy tethering factor; minus strand). Cytogenetic location: 18q21.1.
Variant type: single nucleotide variant.
Coding change: c.1694C>T on transcript NM_020964.3 (MANE Select); coding-DNA position 1694, C replaced by T.
Protein change: p.Thr565Ile; replaces threonine 565 with isoleucine.
Molecular consequence: missense variant.
Genome position (GRCh38, 1-based): chr18:45,944,103, G>A on the plus strand (C>T on the coding strand, the complement: EPG5 is on the minus strand). VCF-style: chr18-45944103-G-A. GRCh37 (hg19) VCF-style: chr18-43524069-G-A.
Other names: short protein forms T565I.
Identifiers: ClinVar variation 1395615 (VCV001395615.4), dbSNP rs750054758, ClinGen allele CA8949629.